The following is an entry in ClinVar:

ClinVar aggregate classification (germline): Uncertain significance (1 of 4 stars; one submission).

Conditions:
PKD1-related disorder. Also called: PKD1-related condition.

gnomAD v4.1: 69 of 1,589,964 alleles (0.0043%); highest among the groups gnomAD compares: Non-Finnish European, 0.0054%; no homozygotes.

Submission:

PreventionGenetics, part of Exact Sciences
Classification: Uncertain significance for PKD1-related condition. Last evaluated: 2025-03-23. Review status: criteria provided, single submitter. Criteria: ACMG Guidelines, 2015. Collection method: clinical testing. Allele origin: germline.
Comment: The PKD1 c.7409C>A variant is predicted to result in the amino acid substitution p.Pro2470Gln. This variant has been reported with variants in other relevant genes in an individual with an indication of Dent disease, Bartter or Gitelman syndromes (Table 5, Mansilla et al. 2021. PubMed ID: 31738409). This variant is reported in 0.0047% of alleles in individuals of European (Non-Finnish) descent in gnomAD. An alternate nucleotide change affecting the same amino acid, defined as c.7409C>T (p.Pro2470Leu), has been reported in a family with polycystic kidney disease and an individual with stage 2 chronic kidney disease (Table S3 and S6, Hwang et al. 2016. PubMed ID: 26453610; Table S3, Mallawaarachchi et al. 2021. PubMed ID: 33437033). At this time, the clinical significance of the c.7409C>A (p.Pro2470Gln) variant is uncertain due to the absence of conclusive functional and genetic evidence.

NM_001009944.3(PKD1):c.7409C>A (p.Pro2470Gln)

Gene: PKD1 (polycystin 1, transient receptor potential channel interacting; minus strand). Cytogenetic location: 16p13.3.
Variant type: single nucleotide variant.
Coding change: c.7409C>A on transcript NM_001009944.3 (MANE Select); coding-DNA position 7409, C replaced by A.
Protein change: p.Pro2470Gln; replaces proline 2470 with glutamine.
Molecular consequence: missense variant.
Genome position (GRCh38, 1-based): chr16:2,106,478, G>T on the plus strand (C>A on the coding strand, the complement: PKD1 is on the minus strand). VCF-style: chr16-2106478-G-T. GRCh37 (hg19) VCF-style: chr16-2156479-G-T.
Other names: c.7409C>A, p.Pro2470Gln (NM_000296.4); short protein forms P2470Q.
Identifiers: ClinVar variation 2634692 (VCV002634692.2), dbSNP rs539143745, ClinGen allele CA7831145.